The following is an entry in ClinVar:

ClinVar aggregate classification (germline): Pathogenic/Likely pathogenic. Review status: criteria provided, multiple submitters, no conflicts (2 of 4 stars). 5 submissions from 5 submitters: Pathogenic (2); Likely pathogenic (2). 1 of the submissions does not count toward it. Last evaluated 2025-05-19.

Conditions:
Hereditary cancer-predisposing syndrome. Also called: Tumor predisposition; Hereditary neoplastic syndrome; Hereditary Cancer Syndrome; Neoplastic Syndromes, Hereditary. Identifiers: Orphanet 140162, MedGen C0027672, MeSH D009386, MONDO:0015356.
Hereditary breast ovarian cancer syndrome. Also called: Hereditary breast and/or ovarian cancer syndrome; Breast and ovarian cancer; Hereditary breast and ovarian cancer syndrome; Hereditary breast and ovarian cancer; Hereditary breast and ovarian cancer syndrome (HBOC); BRCA1- and BRCA2-Associated Hereditary Breast and Ovarian Cancer. Identifiers: Orphanet 145, MedGen C0677776, MeSH D061325, MONDO:0003582. Disease mechanism: loss of function.
Breast-ovarian cancer, familial, susceptibility to, 1 (BROVCA1). Also called: BRCA1 Hereditary Breast and Ovarian Cancer; OVARIAN CANCER, SUSCEPTIBILITY TO. Identifiers: Orphanet 145, MedGen C2676676, MONDO:0011450, OMIM 604370. Disease mechanism: loss of function.

Submissions (5):

Labcorp Genetics (formerly Invitae), Labcorp
Classification: Likely pathogenic for Hereditary breast ovarian cancer syndrome. Last evaluated: 2025-05-19. Review status: criteria provided, single submitter. Criteria: Invitae Variant Classification Sherloc (09022015). Collection method: clinical testing. Allele origin: germline.
Comment: This sequence change affects an acceptor splice site in intron 14 of the BRCA1 gene. It is expected to disrupt RNA splicing. Variants that disrupt the donor or acceptor splice site typically lead to a loss of protein function (PMID: 16199547), and loss-of-function variants in BRCA1 are known to be pathogenic (PMID: 20104584). This variant is not present in population databases (gnomAD no frequency). Disruption of this splice site has been observed in individual(s) with breast cancer (PMID: 25186627, 30199306). ClinVar contains an entry for this variant (Variation ID: 125726). Algorithms developed to predict the effect of sequence changes on RNA splicing suggest that this variant may disrupt the consensus splice site. In summary, the currently available evidence indicates that the variant is pathogenic, but additional data are needed to prove that conclusively. Therefore, this variant has been classified as Likely Pathogenic.

Ambry Genetics
Classification: Likely pathogenic for Hereditary cancer-predisposing syndrome. Last evaluated: 2025-04-21. Review status: criteria provided, single submitter. Criteria: Ambry Variant Classification Scheme 2023. Collection method: clinical testing. Allele origin: germline.
Comment: The c.4676-2A>G intronic variant results from an A to G substitution two nucleotides upstream from coding exon 14 in the BRCA1 gene. This nucleotide position is highly conserved in available vertebrate species. In silico splice site analysis predicts that this alteration will weaken the native splice acceptor site; however, direct evidence is insufficient at this time (Ambry internal data). This variant is considered to be rare based on population cohorts in the Genome Aggregation Database (gnomAD). Alterations that disrupt the canonical splice site are expected to cause aberrant splicing, resulting in an abnormal protein or a transcript that is subject to nonsense-mediated mRNA decay. As such, this alteration is classified as likely pathogenic.

Department of Molecular Diagnostics, Institute of Oncology Ljubljana
Classification: Pathogenic for Breast-ovarian cancer, familial, susceptibility to, 1. Last evaluated: 2020-04-02. Review status: criteria provided, single submitter. Criteria: ACMG Guidelines, 2015. Collection method: clinical testing. Allele origin: germline. Affected: yes.

GeneDx
Classification: Pathogenic. Last evaluated: 2020-01-15. Review status: criteria provided, single submitter. Criteria: GeneDx Variant Classification Process June 2021. Collection method: clinical testing. Allele origin: germline. Affected: yes.
Comment: Canonical splice site variant in a gene for which loss-of-function is a known mechanism of disease; Not observed in large population cohorts (Lek 2016); Observed in individuals with BRCA1-related cancers (Sekine 2001, Nakamura 2015, Tung 2015, Abulkhair 2018); Also known as 4795-2A>G and IVS15-2A>G; This variant is associated with the following publications: (PMID: 30199306, 31131967, 31209999, 25186627, 11595708, 24249303, 16267036, 21523855)

Breast Cancer Information Core (BIC) (BRCA1)
Classification: Pathogenic for Breast-ovarian cancer, familial 1. Last evaluated: 2002-06-20. Review status: no assertion criteria provided. Collection method: clinical testing. Allele origin: germline. Affected: yes. Observed: 1 variant allele. Not counted in ClinVar's aggregate classification.

Literature cited by the submitters: PubMed 16199547 (cited by Labcorp Genetics (formerly Invitae), Labcorp); PubMed 20104584 (cited by Labcorp Genetics (formerly Invitae), Labcorp); PubMed 25186627 (cited by Labcorp Genetics (formerly Invitae), Labcorp); PubMed 30199306 (cited by Labcorp Genetics (formerly Invitae), Labcorp).

NM_007294.4(BRCA1):c.4676-2A>G

Gene: BRCA1 (BRCA1 DNA repair associated; minus strand). Cytogenetic location: 17q21.31.
Variant type: single nucleotide variant.
Coding change: c.4676-2A>G on transcript NM_007294.4 (MANE Select); the canonical splice acceptor site of the intron before coding-DNA position 4676, A replaced by G.
Molecular consequence: splice acceptor variant. On other transcripts: intron variant (1).
Genome position (GRCh38, 1-based): chr17:43,071,240, T>C on the plus strand (A>G on the coding strand, the complement: BRCA1 is on the minus strand). VCF-style: chr17-43071240-T-C. GRCh37 (hg19) VCF-style: chr17-41223257-T-C.
Other names: IVS15-2A>G; c.1163-2A>G (NM_001408475.1, NM_001408476.1); c.4469-2A>G (NM_001407875.1, NM_001407874.1); c.4592-2A>G (NM_001407659.1, NM_001407662.1, NM_001407660.1 and 2 more transcripts); c.1286-2A>G (NM_001408412.1, NM_001408413.1, NM_001408416.1 and 2 more transcripts); c.4595-2A>G (NM_001407656.1, NM_001407657.1, NM_001407658.1); c.4598-2A>G (NM_001407654.1, NM_001407653.1, NM_001407655.1); c.1025-2A>G (NM_001408509.1); and 72 more.
Identifiers: ClinVar variation 125726 (VCV000125726.19), dbSNP rs80358096, ClinGen allele CA002969.